The following is an entry in ClinVar:

ClinVar aggregate classification (germline): Likely benign. Review status: criteria provided, multiple submitters, no conflicts (2 of 4 stars). 5 submissions from 5 submitters: Likely benign (4). 1 of the submissions does not count toward it. Last evaluated 2026-08-01.

Conditions:
BCL11A-related disorder. Also called: BCL11A-related condition.

Allele frequency attached by ClinVar (database versions not stated): ESP Exome Variant Server 0.00015; 1000 Genomes Project 30x 0.00031; gnomAD 0.00034 and 0.00035; TOPMed 0.00038; 1000 Genomes Project 0.00040; gnomAD exomes 0.00043 and 0.00061; ExAC 0.00069.
gnomAD v4.1: 725 of 1,614,136 alleles (0.045%); highest among the groups gnomAD compares: Middle Eastern, 0.71%; 6 homozygotes.

Submissions (5):

CeGaT Center for Human Genetics Tuebingen
Classification: Likely benign. Last evaluated: 2026-08-01. Review status: criteria provided, single submitter. Criteria: CeGaT Center For Human Genetics Tuebingen Variant Classification Criteria Version 2. Collection method: clinical testing. Allele origin: germline. Affected: yes. Observed: 4 variant alleles.
Comment: BCL11A: BS1

Mayo Clinic Laboratories, Mayo Clinic
Classification: Likely benign. Last evaluated: 2025-11-24. Review status: criteria provided, single submitter. Criteria: ACMG Guidelines, 2015. Collection method: clinical testing. Allele origin: germline. Observed: 5 variant alleles.
Comment: BS2, BP4

Labcorp Genetics (formerly Invitae), Labcorp
Classification: Likely benign. Last evaluated: 2019-12-31. Review status: criteria provided, single submitter. Criteria: Invitae Variant Classification Sherloc (09022015). Collection method: clinical testing. Allele origin: germline.

Breakthrough Genomics
Classification: Likely benign. Review status: criteria provided, single submitter. Criteria: ACMG Guidelines, 2015. Collection method: not provided. Allele origin: germline. Inheritance: Autosomal dominant inheritance. Affected: yes.

PreventionGenetics, part of Exact Sciences
Classification: Likely benign for BCL11A-related condition. Last evaluated: 2021-02-03. Review status: no assertion criteria provided. Collection method: clinical testing. Allele origin: germline. Not counted in ClinVar's aggregate classification.
Comment: This variant is classified as likely benign based on ACMG/AMP sequence variant interpretation guidelines (Richards et al. 2015 PMID: 25741868, with internal and published modifications).

NM_022893.4(BCL11A):c.85G>C (p.Asp29His)

Gene: BCL11A (BCL11 transcription factor A; minus strand). Cytogenetic location: 2p16.1.
Variant type: single nucleotide variant.
Coding change: c.85G>C on transcript NM_022893.4 (MANE Select); coding-DNA position 85, G replaced by C.
Protein change: p.Asp29His; replaces aspartic acid 29 with histidine.
Molecular consequence: missense variant.
Genome position (GRCh38, 1-based): chr2:60,546,271, C>G on the plus strand (G>C on the coding strand, the complement: BCL11A is on the minus strand). VCF-style: chr2-60546271-C-G. GRCh37 (hg19) VCF-style: chr2-60773406-C-G.
Other names: p.Asp29His; c.85G>C, p.Asp29His (NM_001363864.1, NM_001365609.1, NM_018014.4 and 1 more transcripts); short protein forms D29H.
Identifiers: ClinVar variation 712927 (VCV000712927.29), dbSNP rs150125298, ClinGen allele CA1671319.